The following is an entry in ClinVar:

ClinVar aggregate classification (germline): Conflicting classifications of pathogenicity. Review status: criteria provided, conflicting classifications (1 of 4 stars). 5 submissions from 5 submitters: Uncertain significance (1); Likely benign (4). Last evaluated 2026-02-04.

Conditions:
Nephronophthisis. Also called: Juvenile Nephronophthisis. Identifiers: Orphanet 655, MedGen C0687120, MONDO:0019005, HP:0000090.
Joubert syndrome. Also called: JOUBERT-BOLTSHAUSER SYNDROME; Familial aplasia of the vermis. Identifiers: Orphanet 475, MedGen C5979921, MONDO:0018772.
Meckel-Gruber syndrome. Also called: Dysencephalia splachnocystica; DYSENCEPHALIA SPLANCHNOCYSTICA; GRUBER SYNDROME. Identifiers: Orphanet 564, MedGen C0265215, MONDO:0018921.
Inborn genetic diseases. Identifiers: MedGen C0950123, MeSH D030342.

Submissions (5):

Labcorp Genetics (formerly Invitae), Labcorp
Classification: Likely benign for Joubert syndrome; Meckel-Gruber syndrome; Nephronophthisis. Last evaluated: 2026-02-04. Review status: criteria provided, single submitter. Criteria: Invitae Variant Classification Sherloc (09022015). Collection method: clinical testing. Allele origin: germline.

Ambry Genetics
Classification: Likely benign for Inborn genetic diseases. Last evaluated: 2025-01-09. Review status: criteria provided, single submitter. Criteria: Ambry Variant Classification Scheme 2023. Collection method: clinical testing. Allele origin: germline.

Blueprint Genetics
Classification: Likely benign. Last evaluated: 2023-11-09. Review status: criteria provided, single submitter. Criteria: ACMG Guidelines, 2015. Collection method: clinical testing. Allele origin: germline.

CeGaT Center for Human Genetics Tuebingen
Classification: Likely benign. Last evaluated: 2022-04-01. Review status: criteria provided, single submitter. Criteria: CeGaT Center For Human Genetics Tuebingen Variant Classification Criteria Version 2. Collection method: clinical testing. Allele origin: germline. Affected: yes. Observed: 1 variant allele.
Comment: CEP290: BP4

GeneDx
Classification: Uncertain significance. Last evaluated: 2020-12-17. Review status: criteria provided, single submitter. Criteria: GeneDx Variant Classification Process June 2021. Collection method: clinical testing. Allele origin: germline. Affected: yes.
Comment: Has not been previously published as pathogenic or benign to our knowledge; In-silico analysis, which includes splice predictors and evolutionary conservation, is inconclusive as to whether the variant alters gene splicing. In the absence of RNA/functional studies, the actual effect of this sequence change is unknown.

NM_025114.4(CEP290):c.251-4del

Gene: CEP290 (centrosomal protein 290; minus strand). Cytogenetic location: 12q21.32.
Variant type: Deletion.
Coding change: c.251-4del on transcript NM_025114.4 (MANE Select); 4 bases into the intron before coding-DNA position 251, one base deleted (A; older notation c.251-4delA).
Molecular consequence: intron variant.
Genome position (GRCh38, 1-based): chr12:88,139,195, T deleted on the plus strand (A on the coding strand, the reverse complement: CEP290 is on the minus strand); the first of 7 consecutive T bases (chr12:88,139,195-88,139,201); deleting any one gives the same sequence. VCF-style (leftmost placement, unchanged base first): chr12-88139194-AT-A. GRCh37 (hg19) VCF-style: chr12-88532971-AT-A.
Other names: c.251-4delA (NM_025114.3).
Identifiers: ClinVar variation 1099616 (VCV001099616.44), dbSNP rs759170743, ClinGen allele CA6712858.